The following is an entry in ClinVar:

NM_006015.6(ARID1A):c.110G>A (p.Gly37Asp)

Gene: ARID1A (AT-rich interaction domain 1A; plus strand). Cytogenetic location: 1p36.11.
Variant type: single nucleotide variant.
Coding change: c.110G>A on transcript NM_006015.6 (MANE Select); coding-DNA position 110, G replaced by A.
Protein change: p.Gly37Asp; replaces glycine 37 with aspartic acid.
Molecular consequence: missense variant.
Genome position (GRCh38, 1-based): chr1:26,696,513, G>A. VCF-style: chr1-26696513-G-A. GRCh37 (hg19) VCF-style: chr1-27023004-G-A.
Other names: c.110G>A, p.Gly37Asp (NM_139135.4); short protein forms G37D.
Identifiers: ClinVar variation 1337999 (VCV001337999.7), dbSNP rs933617964, ClinGen allele CA19640368.
Genomic context (GRCh38, chr1:26,696,513, plus strand): 5'-CGCCGCCGCCGCCCTCGGAGCTGAAGAAAGCCGAGCAGCAGCAGCGGGAGGAGGCGGGGG[G>A]CGAGGCGGCGGCGGCGGCAGCGGCCGAGCGCGGGGAAATGAAGGCAGCCGCCGGGCAGGA-3'
Protein context (NP_006006.3, residues 27-47): AEQQQREEAG[Gly37Asp]EAAAAAAAER

ClinVar aggregate classification (germline): Conflicting classifications of pathogenicity. Review status: criteria provided, conflicting classifications (1 of 4 stars). 2 submissions from 2 submitters: Uncertain significance (1); Benign (1). Last evaluated 2025-06-22.

Allele frequency attached by ClinVar (database versions not stated): gnomAD 0.00013 and 0.00014; 1000 Genomes Project 30x 0.00031; TOPMed 0.00017.
gnomAD v4.1: 29 of 1,228,668 alleles (0.0024%); highest among the groups gnomAD compares: African/African-American, 0.038%; no homozygotes.

Submissions (2):

Labcorp Genetics (formerly Invitae), Labcorp
Classification: Benign. Last evaluated: 2025-06-22. Review status: criteria provided, single submitter. Criteria: Invitae Variant Classification Sherloc (09022015). Collection method: clinical testing. Allele origin: germline.

Genetic Services Laboratory, University of Chicago
Classification: Uncertain significance. Last evaluated: 2021-07-06. Review status: criteria provided, single submitter. Criteria: ACMG Guidelines, 2015. Collection method: clinical testing. Allele origin: germline. Affected: no.
Comment: DNA sequence analysis of the ARID1A gene demonstrated a sequence change, c.110G>A, in exon 1 that results in an amino acid change, p.Gly37Asp This sequence change has been described in the gnomAD database with a frequency of 0.059% in the African American/African subpopulation (dbSNP rs933617964). The p.Gly37Asp change affects a poorly conserved amino acid residue located in a domain of the ARID1A protein that is not known to be functional. In-silico pathogenicity prediction tools (SIFT, PolyPhen2, Align GVGD, REVEL) provide contradictory results for the p.Gly37Asp substitution. This sequence change does not appear to have been previously described in patients with ARID1A-related disorders. Due to insufficient evidences and the lack of functional studies, the clinical significance of the p.Gly37Asp change remains unknown at this time.